The following is an entry in ClinVar:

NM_001024630.4(RUNX2):c.*1762G>C

Gene: RUNX2 (RUNX family transcription factor 2; plus strand). Cytogenetic location: 6p21.1.
Variant type: single nucleotide variant.
Coding change: c.*1762G>C on transcript NM_001024630.4 (MANE Select); 1762 bases downstream of the stop codon, G replaced by C.
Molecular consequence: 3 prime UTR variant.
Genome position (GRCh38, 1-based): chr6:45,549,067, G>C. VCF-style: chr6-45549067-G-C. GRCh37 (hg19) VCF-style: chr6-45516804-G-C.
Other names: c.*1762G>C (NM_001015051.4, NM_001278478.2, NM_001369405.1).
Identifiers: ClinVar variation 357118 (VCV000357118.5), dbSNP rs77663988, ClinGen allele CA10622246.

ClinVar aggregate classification (germline): Benign (1 of 4 stars; one submission).

Conditions:
Cleidocranial dysostosis (CLCD1). Also called: cleidocranial dysplasia 1; Marie-Sainton disease; Cleidocranial Dysplasia Spectrum Disorder. Identifiers: Orphanet 1452, MedGen C0008928, MONDO:0007340, OMIM 119600.

Allele frequency attached by ClinVar (database versions not stated): gnomAD exomes 0.00138; 1000 Genomes Project 0.00899; 1000 Genomes Project 30x 0.00921; gnomAD 0.01114 and 0.01200; TOPMed 0.01249.

Submission:

Illumina Laboratory Services, Illumina
Classification: Benign for Cleidocranial dysostosis. Last evaluated: 2018-01-12. Review status: criteria provided, single submitter. Criteria: ICSL Variant Classification Criteria 13 December 2019. Collection method: clinical testing. Allele origin: germline.
Comment: This variant was observed in the ICSL laboratory as part of a predisposition screen in an ostensibly healthy population. It had not been previously curated by ICSL or reported in the Human Gene Mutation Database (HGMD: prior to June 1st, 2018), and was therefore a candidate for classification through an automated scoring system. Utilizing variant allele frequency, disease prevalence and penetrance estimates, and inheritance mode, an automated score was calculated to assess if this variant is too frequent to cause the disease. Based on the score and internal cut-off values, a variant classified as benign is not then subjected to further curation. The score for this variant resulted in a classification of benign for this disease.